The following is an entry in ClinVar:

ClinVar aggregate classification (germline): Uncertain significance. Review status: criteria provided, multiple submitters, no conflicts (2 of 4 stars). 2 submissions from 2 submitters: Uncertain significance (2). Last evaluated 2025-05-05.

Allele frequency attached by ClinVar (database versions not stated): TOPMed 0.00003; ExAC 0.00004; ESP Exome Variant Server 0.00008; gnomAD 0.00004.
gnomAD v4.1: 30 of 1,598,710 alleles (0.0019%); highest among the groups gnomAD compares: African/African-American, 0.0094%; no homozygotes.

Submissions (2):

Labcorp Genetics (formerly Invitae), Labcorp
Classification: Uncertain significance. Last evaluated: 2025-05-05. Review status: criteria provided, single submitter. Criteria: Invitae Variant Classification Sherloc (09022015). Collection method: clinical testing. Allele origin: germline.
Comment: This sequence change replaces threonine, which is neutral and polar, with methionine, which is neutral and non-polar, at codon 806 of the FGFR3 protein (p.Thr806Met). The frequency data for this variant in the population databases is considered unreliable, as metrics indicate poor data quality at this position in the gnomAD database. This variant has not been reported in the literature in individuals affected with FGFR3-related conditions. ClinVar contains an entry for this variant (Variation ID: 811867). Invitae Evidence Modeling of protein sequence and biophysical properties (such as structural, functional, and spatial information, amino acid conservation, physicochemical variation, residue mobility, and thermodynamic stability) has been performed for this missense variant. However, the output from this modeling did not meet the statistical confidence thresholds required to predict the impact of this variant on FGFR3 protein function. In summary, the available evidence is currently insufficient to determine the role of this variant in disease. Therefore, it has been classified as a Variant of Uncertain Significance.

ARUP Laboratories, Molecular Genetics and Genomics, ARUP Laboratories
Classification: Uncertain significance. Last evaluated: 2019-01-09. Review status: criteria provided, single submitter. Criteria: ARUP Molecular Germline Variant Investigation Process. Collection method: clinical testing. Allele origin: germline.
Comment: The FGFR3 c.2417C>T; p.Thr806Met variant (rs374547489), to our knowledge, is not reported in the medical literature or in gene-specific databases, and is only found on 2 alleles in the Genome Aggregation Database. The threonine at codon 806 is highly conserved, and computational algorithms (PolyPhen-2, SIFT) predict that this variant is deleterious. However, due to the lack of clinical and functional data regarding this variant, its clinical significance cannot be determined with certainty.

NM_000142.5(FGFR3):c.2417C>T (p.Thr806Met)

Gene: FGFR3 (fibroblast growth factor receptor 3; plus strand). Cytogenetic location: 4p16.3.
Variant type: single nucleotide variant.
Coding change: c.2417C>T on transcript NM_000142.5 (MANE Select); coding-DNA position 2417, C replaced by T.
Protein change: p.Thr806Met; replaces threonine 806 with methionine.
Molecular consequence: missense variant. On other transcripts: synonymous variant (1), non-coding transcript variant (1).
Genome position (GRCh38, 1-based): chr4:1,807,258, C>T. VCF-style: chr4-1807258-C-T. GRCh37 (hg19) VCF-style: chr4-1808985-C-T.
Other names: c.2423C>T, p.Thr808Met (NM_001163213.2); c.2420C>T, p.Thr807Met (NM_001354809.2); c.2349C>T, p.Asp783= (NM_001354810.2); c.2081C>T, p.Thr694Met (NM_022965.4); short protein forms T694M, T806M, T807M, T808M.
Identifiers: ClinVar variation 811867 (VCV000811867.10), dbSNP rs374547489, ClinGen allele CA2810872.
Genomic context (GRCh38, chr4:1,807,258, plus strand): 5'-ACTCCGTGTTTGCCCACGACCTGCTGCCCCCGGCCCCACCCAGCAGTGGGGGCTCGCGGA[C>T]GTGAAGGGCCACTGGTCCCCAACAATGTGAGGGGTCCCTAGCAGCCCACCCTGCTGCTGG-3'
Protein context (NP_000133.1, residues 796-806): PAPPSSGGSR[Thr806Met]